The following is an entry in ClinVar:

NM_015046.7(SETX):c.6422dup (p.Ser2142fs)

Gene: SETX (senataxin; minus strand). Cytogenetic location: 9q34.13.
Variant type: Duplication.
Coding change: c.6422dup on transcript NM_015046.7 (MANE Select); coding-DNA position 6422, one base duplicated (A; older notation c.6422dupA).
Protein change: p.Ser2142fs; shifts the reading frame from serine 2142.
Molecular consequence: frameshift variant.
Genome position (GRCh38, 1-based): chr9:132,283,388, T duplicated on the plus strand (A on the coding strand, the reverse complement: SETX is on the minus strand). VCF-style (leftmost placement, unchanged base first): chr9-132283387-C-CT. GRCh37 (hg19) VCF-style: chr9-135158774-C-CT.
Other names: c.6422dup, p.Ser2142fs (NM_001351527.2, NM_001351528.2); short protein forms S2142fs.
Identifiers: ClinVar variation 2159483 (VCV002159483.5), dbSNP rs768349691, ClinGen allele CA5296712.

ClinVar aggregate classification (germline): Pathogenic/Likely pathogenic. Review status: criteria provided, multiple submitters, no conflicts (2 of 4 stars). 2 submissions from 2 submitters: Pathogenic (1); Likely pathogenic (1). Last evaluated 2023-05-20.

Conditions:
Amyotrophic lateral sclerosis type 4 (ALS4). Also called: AMYOTROPHIC LATERAL SCLEROSIS 4, JUVENILE; NEURONOPATHY, DISTAL HEREDITARY MOTOR, WITH PYRAMIDAL FEATURES. Identifiers: Orphanet 357043, MedGen C1865409, MONDO:0011223, OMIM 602433.
Spinocerebellar ataxia, autosomal recessive, with axonal neuropathy 2 (SCAN2). Also called: Ataxia with Oculomotor Apraxia; Ataxia with Oculomotor Apraxia Type 2; Ataxia-ocular apraxia-2; ATAXIA-OCULOMOTOR APRAXIA 2. Identifiers: Orphanet 64753, MedGen C1853761, MONDO:0018996, OMIM 606002.

Allele frequency attached by ClinVar (database versions not stated): gnomAD exomes 0.00001; ExAC 0.00002.

Submissions (2):

Neuberg Centre For Genomic Medicine, NCGM
Classification: Likely pathogenic for Spinocerebellar ataxia, autosomal recessive, with axonal neuropathy 2. Last evaluated: 2023-05-20. Review status: criteria provided, single submitter. Criteria: ACMG Guidelines, 2015. Collection method: clinical testing. Allele origin: germline. Inheritance: Autosomal recessive inheritance. Affected: yes.
Comment: The observed frameshift variant c.6422dup(p.Ser2142GlufsTer23) in SETX gene has been reported previously in homozygous state in two individuals with SETX-related conditions (Catford SR, et al., 2019, Shakya S, et al., 2019). The c.6422dup variant is reported with 0.001% allele frequency in gnomAD Exomes. This variant has been submitted to the ClinVar database as Pathogenic. However, experimental studies on the pathogenicity of the variant are not available. This variant causes a frameshift starting with codon Serine 2142, changes this amino acid to Glutamic Acid residue, and creates a premature Stop codon at position 23 of the new reading frame, denoted p.Ser2142GlufsTer23. This variant is predicted to cause loss of normal protein function through protein truncation. Loss of function variants have been previously reported to be disease causing (Moreira MC, et al., 2004). For these reasons, this variant has been classified as Likely Pathogenic.

Labcorp Genetics (formerly Invitae), Labcorp
Classification: Pathogenic for Amyotrophic lateral sclerosis type 4; Spinocerebellar ataxia, autosomal recessive, with axonal neuropathy 2. Last evaluated: 2022-12-04. Review status: criteria provided, single submitter. Criteria: Invitae Variant Classification Sherloc (09022015). Collection method: clinical testing. Allele origin: germline.
Comment: This sequence change creates a premature translational stop signal (p.Ser2142Glufs*23) in the SETX gene. It is expected to result in an absent or disrupted protein product. Loss-of-function variants in SETX are known to be pathogenic (PMID: 14770181). This variant is present in population databases (rs768349691, gnomAD 0.01%). This premature translational stop signal has been observed in individual(s) with SETX-related conditions (PMID: 30642639, 31429931). This variant is also known as p.Q2141fs22. For these reasons, this variant has been classified as Pathogenic.

Literature cited by the submitters: PubMed 14770181 (cited by Labcorp Genetics (formerly Invitae), Labcorp); PubMed 30642639 (cited by Labcorp Genetics (formerly Invitae), Labcorp); PubMed 31429931 (cited by Labcorp Genetics (formerly Invitae), Labcorp).